The following is an entry in ClinVar:

ClinVar aggregate classification (germline): Uncertain significance (1 of 4 stars; one submission).

Submission:

GeneDx
Classification: Uncertain significance. Last evaluated: 2022-03-20. Review status: criteria provided, single submitter. Criteria: GeneDx Variant Classification Process June 2021. Collection method: clinical testing. Allele origin: germline. Affected: yes.
Comment: Not observed at significant frequency in large population cohorts (gnomAD); In silico analysis supports that this missense variant does not alter protein structure/function; Occurs in the triple helical domain at the X position in the canonical Gly-X-Y repeat; although this variant may have an effect on normal protein folding and function, missense substitution at the X position is not a common mechanism of disease; Has not been previously published as pathogenic or benign to our knowledge

NM_000091.5(COL4A3):c.2562A>C (p.Glu854Asp)

Genes: COL4A3 (collagen type IV alpha 3 chain; plus strand), MFF-DT (MFF divergent transcript; minus strand). Cytogenetic location: 2q36.3.
Variant type: single nucleotide variant.
Coding change: c.2562A>C on transcript NM_000091.5 (MANE Select); coding-DNA position 2562, A replaced by C.
Protein change: p.Glu854Asp; replaces glutamic acid 854 with aspartic acid.
Molecular consequence: missense variant.
Genome position (GRCh38, 1-based): chr2:227,282,438, A>C. VCF-style: chr2-227282438-A-C. GRCh37 (hg19) VCF-style: chr2-228147154-A-C.
Other names: short protein forms E854D.
Identifiers: ClinVar variation 1707262 (VCV001707262.2), dbSNP rs2469769873, ClinGen allele CA350850360.